The following is an entry in ClinVar:

ClinVar aggregate classification (germline): Uncertain significance (1 of 4 stars; one submission).

Conditions:
Joubert syndrome. Also called: CEREBELLOPARENCHYMAL DISORDER IV; JOUBERT-BOLTSHAUSER SYNDROME; Familial aplasia of the vermis. Identifiers: Orphanet 475, MedGen C5979921, MONDO:0018772.
Meckel-Gruber syndrome. Also called: DYSENCEPHALIA SPLANCHNOCYSTICA; GRUBER SYNDROME; Dysencephalia splachnocystica. Identifiers: Orphanet 564, MedGen C0265215, MONDO:0018921.

Allele frequency attached by ClinVar (database versions not stated): TOPMed below 0.00001; ExAC 0.00001; gnomAD 0.00001.
gnomAD v4.1: 3 of 1,606,188 alleles (0.00019%); highest among the groups gnomAD compares: Non-Finnish European, 0.00026%; no homozygotes.

Submission:

Labcorp Genetics (formerly Invitae), Labcorp
Classification: Uncertain significance for Joubert syndrome; Meckel-Gruber syndrome. Last evaluated: 2022-06-01. Review status: criteria provided, single submitter. Criteria: Invitae Variant Classification Sherloc (09022015). Collection method: clinical testing. Allele origin: germline.
Comment: This sequence change replaces valine, which is neutral and non-polar, with leucine, which is neutral and non-polar, at codon 596 of the TMEM67 protein (p.Val596Leu). This variant is present in population databases (rs778478057, gnomAD 0.0009%). This variant has not been reported in the literature in individuals affected with TMEM67-related conditions. Advanced modeling of protein sequence and biophysical properties (such as structural, functional, and spatial information, amino acid conservation, physicochemical variation, residue mobility, and thermodynamic stability) performed at Invitae indicates that this missense variant is expected to disrupt TMEM67 protein function. In summary, the available evidence is currently insufficient to determine the role of this variant in disease. Therefore, it has been classified as a Variant of Uncertain Significance.

NM_153704.6(TMEM67):c.1786G>C (p.Val596Leu)

Gene: TMEM67 (transmembrane protein 67; plus strand). Cytogenetic location: 8q22.1.
Variant type: single nucleotide variant.
Coding change: c.1786G>C on transcript NM_153704.6 (MANE Select); coding-DNA position 1786, G replaced by C.
Protein change: p.Val596Leu; replaces valine 596 with leucine.
Molecular consequence: missense variant. On other transcripts: non-coding transcript variant (1).
Genome position (GRCh38, 1-based): chr8:93,795,913, G>C. VCF-style: chr8-93795913-G-C. GRCh37 (hg19) VCF-style: chr8-94808141-G-C.
Other names: c.1543G>C, p.Val515Leu (NM_001142301.1); short protein forms V515L, V596L.
Identifiers: ClinVar variation 1972287 (VCV001972287.5), dbSNP rs778478057, ClinGen allele CA4808106.